The following is an entry in ClinVar:

ClinVar aggregate classification (germline): Conflicting classifications of pathogenicity. Review status: criteria provided, conflicting classifications (1 of 4 stars). 4 submissions from 4 submitters: Uncertain significance (3); Likely benign (1). Last evaluated 2025-03-31.

Conditions:
Hereditary nonpolyposis colorectal neoplasms. Identifiers: MedGen C0009405, MeSH D003123.
Hereditary cancer-predisposing syndrome. Also called: Neoplastic Syndromes, Hereditary; Hereditary Cancer Syndrome; Tumor predisposition; Hereditary neoplastic syndrome. Identifiers: Orphanet 140162, MedGen C0027672, MeSH D009386, MONDO:0015356.
Endometrial carcinoma. Also called: Endometrial carcinoma, somatic. Identifiers: MedGen C0476089, MONDO:0002447, OMIM 608089, HP:0012114.

gnomAD v4.1: 2 of 1,614,088 alleles (0.00012%); highest among the groups gnomAD compares: South Asian, 0.0011%; no homozygotes.

Submissions (4):

Labcorp Genetics (formerly Invitae), Labcorp
Classification: Likely benign for Hereditary nonpolyposis colorectal neoplasms. Last evaluated: 2025-03-31. Review status: criteria provided, single submitter. Criteria: Invitae Variant Classification Sherloc (09022015). Collection method: clinical testing. Allele origin: germline.

Baylor Genetics
Classification: Uncertain significance for Endometrial carcinoma. Last evaluated: 2023-09-22. Review status: criteria provided, single submitter. Criteria: ACMG Guidelines, 2015. Collection method: clinical testing. Allele origin: unknown.

Laboratorio de Genetica e Diagnostico Molecular, Hospital Israelita Albert Einstein
Classification: Uncertain significance for Endometrial carcinoma. Last evaluated: 2022-11-24. Review status: criteria provided, single submitter. Criteria: ACMG Guidelines, 2015. Collection method: clinical testing. Allele origin: germline. Affected: yes. Observed: 1 variant allele.
Comment: ACMG classification criteria: PM2 supporting

Ambry Genetics
Classification: Uncertain significance for Hereditary cancer-predisposing syndrome. Last evaluated: 2017-10-16. Review status: criteria provided, single submitter. Criteria: Ambry Variant Classification Scheme 2023. Collection method: clinical testing. Allele origin: germline.

NM_000179.3(MSH6):c.3727A>G (p.Thr1243Ala)

Gene: MSH6 (mutS homolog 6; plus strand). Cytogenetic location: 2p16.3.
Variant type: single nucleotide variant.
Coding change: c.3727A>G on transcript NM_000179.3 (MANE Select); coding-DNA position 3727, A replaced by G.
Protein change: p.Thr1243Ala; replaces threonine 1243 with alanine.
Molecular consequence: missense variant.
Genome position (GRCh38, 1-based): chr2:47,806,284, A>G. VCF-style: chr2-47806284-A-G. GRCh37 (hg19) VCF-style: chr2-48033423-A-G.
Other names: c.3337A>G, p.Thr1113Ala (NM_001281492.2); c.2821A>G, p.Thr941Ala (NM_001281493.2, NM_001281494.2); short protein forms T1113A, T1243A, T941A.
Identifiers: ClinVar variation 945402 (VCV000945402.13), dbSNP rs147453999, ClinGen allele CA071913.